The following is an entry in ClinVar:

NM_000092.5(COL4A4):c.4730C>T (p.Ala1577Val)

Gene: COL4A4 (collagen type IV alpha 4 chain; minus strand). Cytogenetic location: 2q36.3.
Variant type: single nucleotide variant.
Coding change: c.4730C>T on transcript NM_000092.5 (MANE Select); coding-DNA position 4730, C replaced by T.
Protein change: p.Ala1577Val; replaces alanine 1577 with valine.
Molecular consequence: missense variant.
Genome position (GRCh38, 1-based): chr2:227,008,097, G>A on the plus strand (C>T on the coding strand, the complement: COL4A4 is on the minus strand). VCF-style: chr2-227008097-G-A. GRCh37 (hg19) VCF-style: chr2-227872813-G-A.
Other names: short protein forms A1577V.
Identifiers: ClinVar variation 4692027 (VCV004692027.1).

ClinVar aggregate classification (germline): Uncertain significance (1 of 4 stars; one submission).

gnomAD v4.1: 14 of 1,613,886 alleles (0.00087%); highest among the groups gnomAD compares: Admixed American, 0.0017%; no homozygotes.

Submission:

Labcorp Genetics (formerly Invitae), Labcorp
Classification: Uncertain significance. Last evaluated: 2025-03-08. Review status: criteria provided, single submitter. Criteria: Invitae Variant Classification Sherloc (09022015). Collection method: clinical testing. Allele origin: germline.
Comment: This sequence change replaces alanine, which is neutral and non-polar, with valine, which is neutral and non-polar, at codon 1577 of the COL4A4 protein (p.Ala1577Val). The frequency data for this variant in the population databases is considered unreliable, as metrics indicate poor data quality at this position in the gnomAD database. This variant has not been reported in the literature in individuals affected with COL4A4-related conditions. Invitae Evidence Modeling of protein sequence and biophysical properties (such as structural, functional, and spatial information, amino acid conservation, physicochemical variation, residue mobility, and thermodynamic stability) indicates that this missense variant is not expected to disrupt COL4A4 protein function with a negative predictive value of 95%. In summary, the available evidence is currently insufficient to determine the role of this variant in disease. Therefore, it has been classified as a Variant of Uncertain Significance.